The following is an entry in ClinVar:

NC_000023.10:g.(?_9707505)_(9733857_?)del

Gene: GPR143 (G protein-coupled receptor 143; minus strand). Cytogenetic location: Xp22.2.
Variant type: Deletion.
Identifiers: ClinVar variation 1402320 (VCV001402320.7).

ClinVar aggregate classification (germline): Pathogenic (1 of 4 stars; one submission).

Submission:

Labcorp Genetics (formerly Invitae), Labcorp
Classification: Pathogenic. Last evaluated: 2023-07-19. Review status: criteria provided, single submitter. Criteria: Invitae Variant Classification Sherloc (09022015). Collection method: clinical testing. Allele origin: germline.
Comment: For these reasons, this variant has been classified as Pathogenic. Experimental studies and prediction algorithms are not available or were not evaluated, and the functional significance of this variant is currently unknown. A similar copy number variant has been observed in individual(s) with clinical features of ocular albinism (PMID: 9848314). This variant is a gross deletion of the genomic region encompassing exon(s) 1-8 of the GPR143 gene, which includes the initiator codon. This deletion extends beyond the assayed region for this gene and therefore may encompass additional genes. It is expected to result in an absent or disrupted protein product. Loss-of-function variants in GPR143 are known to be pathogenic (PMID: 15965158, 18978956, 19390656, 21541274, 26160353, 28211458).

Literature cited by the submitters: PubMed 9848314; PubMed 15965158; PubMed 18978956; PubMed 19390656; PubMed 21541274; PubMed 26160353; PubMed 28211458.